The following is an entry in ClinVar:

NM_000143.4(FH):c.1338C>T (p.Asn446=)

Gene: FH (fumarate hydratase; minus strand). Cytogenetic location: 1q43.
Variant type: single nucleotide variant.
Coding change: c.1338C>T on transcript NM_000143.4 (MANE Select); coding-DNA position 1338, C replaced by T.
Protein change: p.Asn446=; no amino-acid change (asparagine 446 retained).
Molecular consequence: synonymous variant.
Genome position (GRCh38, 1-based): chr1:241,500,489, G>A on the plus strand (C>T on the coding strand, the complement: FH is on the minus strand). VCF-style: chr1-241500489-G-A. GRCh37 (hg19) VCF-style: chr1-241663789-G-A.
Identifiers: ClinVar variation 1154635 (VCV001154635.14), dbSNP rs113572177, ClinGen allele CA1478477.
Genomic context (GRCh38, chr1:241,500,489, plus strand): 5'-ACACTTACCTATATGAGGATTGAGAGCTGTCACCAACATTAGAGACTCATTCATCAGCTT[G>A]TTGATCCTTTCTGTATTGGCCTGGATTCCCACCACGCAGTTTTCTGTAAAGGAAACTGAA-3'
Protein context (NP_000134.2, residues 436-456): VGIQANTERI[Asn446=]KLMNESLMLV

ClinVar aggregate classification (germline): Benign/Likely benign. Review status: criteria provided, multiple submitters, no conflicts (2 of 4 stars). 5 submissions from 5 submitters: Benign (1); Likely benign (3). 1 of the submissions does not count toward it. Last evaluated 2025-12-16.

Conditions:
FH-related disorder. Also called: FH-related disorders; FH-related condition.
Hereditary cancer-predisposing syndrome. Also called: Neoplastic Syndromes, Hereditary; Hereditary Cancer Syndrome; Tumor predisposition; Hereditary neoplastic syndrome. Identifiers: Orphanet 140162, MedGen C0027672, MeSH D009386, MONDO:0015356.
Hereditary leiomyomatosis and renal cell cancer. Also called: MULTIPLE CUTANEOUS AND UTERINE LEIOMYOMATA 1, WITH OR WITHOUT RENAL CELL CARCINOMA; Familial leiomyomatosis; Reed syndrome; Multiple cutaneous and uterine leiomyomatosis; Cutaneous leiomyomata with uterine leiomyomata; Leiomyoma, hereditary multiple, of skin. Identifiers: Orphanet 523, MedGen C1708350, MONDO:0007888, OMIM 150800, HP:0007437. Disease mechanism: loss of function.

Allele frequency attached by ClinVar (database versions not stated): gnomAD exomes below 0.00001; ExAC 0.00001; gnomAD 0.00001 and 0.00004; 1000 Genomes Project 30x 0.00016; 1000 Genomes Project 0.00020.

Submissions (5):

Labcorp Genetics (formerly Invitae), Labcorp
Classification: Likely benign. Last evaluated: 2025-12-16. Review status: criteria provided, single submitter. Criteria: Invitae Variant Classification Sherloc (09022015). Collection method: clinical testing. Allele origin: germline.

Myriad Genetics, Inc.
Classification: Benign for Hereditary leiomyomatosis and renal cell cancer. Last evaluated: 2024-10-21. Review status: criteria provided, single submitter. Criteria: Myriad Autosomal Dominant, Autosomal Recessive and X-Linked Classification Criteria (2023). Collection method: clinical testing. Allele origin: unknown.
Comment: This variant is considered benign. This variant is a silent/synonymous amino acid change and it is not expected to impact splicing.

Blueprint Genetics
Classification: Likely benign. Last evaluated: 2022-07-28. Review status: criteria provided, single submitter. Criteria: ACMG Guidelines, 2015. Collection method: clinical testing. Allele origin: germline.

Ambry Genetics
Classification: Likely benign for Hereditary cancer-predisposing syndrome. Last evaluated: 2019-12-24. Review status: criteria provided, single submitter. Criteria: Ambry Variant Classification Scheme 2023. Collection method: clinical testing. Allele origin: germline.

PreventionGenetics, part of Exact Sciences
Classification: Likely benign for FH-related condition. Last evaluated: 2024-05-29. Review status: no assertion criteria provided. Collection method: clinical testing. Allele origin: germline. Not counted in ClinVar's aggregate classification.
Comment: This variant is classified as likely benign based on ACMG/AMP sequence variant interpretation guidelines (Richards et al. 2015 PMID: 25741868, with internal and published modifications).